The following is an entry in ClinVar:

NM_001025077.3(CELF2):c.53+1G>A

Gene: CELF2 (CUGBP Elav-like family member 2; plus strand). Cytogenetic location: 10p14.
Variant type: single nucleotide variant.
Coding change: c.53+1G>A on transcript NM_001025077.3; the canonical splice donor site of the intron after coding-DNA position 53, G replaced by A.
Molecular consequence: splice donor variant. On other transcripts: intron variant (13).
Genome position (GRCh38, 1-based): chr10:11,005,441, G>A. VCF-style: chr10-11005441-G-A. GRCh37 (hg19) VCF-style: chr10-11047404-G-A.
Other names: c.-20+85442G>A (NM_001326323.2, NM_001326320.2, NM_001326321.2 and 4 more transcripts); c.-20+64987G>A (NM_001326319.2); c.146+85442G>A (NM_001326325.2); c.89+85442G>A (NM_001326327.2, NM_001326326.2); c.-20+443G>A (NM_001326330.2, NM_001326329.2); c.-205+1G>A (NM_001326334.2); c.53+1G>A (NM_001326336.2, NM_001326335.2, NM_001326337.2 and 3 more transcripts); c.-552+1G>A (NM_001326333.2).
Identifiers: ClinVar variation 1723805 (VCV001723805.2), dbSNP rs2540049019, ClinGen allele CA375986183.

ClinVar aggregate classification (germline): Uncertain significance (1 of 4 stars; one submission).

Submission:

GeneDx
Classification: Uncertain significance. Last evaluated: 2022-05-13. Review status: criteria provided, single submitter. Criteria: GeneDx Variant Classification Process June 2021. Collection method: clinical testing. Allele origin: germline. Affected: yes.
Comment: Not observed at significant frequency in large population cohorts (gnomAD); Canonical splice site variant in a gene or region of a gene for which loss of function is not a well-established mechanism of disease; Has not been previously published as pathogenic or benign to our knowledge